The following is an entry in ClinVar:

ClinVar aggregate classification (germline): Benign/Likely benign. Review status: criteria provided, multiple submitters, no conflicts (2 of 4 stars). 4 submissions from 4 submitters: Benign (2); Likely benign (2). Last evaluated 2026-01-25.

Conditions:
Ehlers-Danlos syndrome, classic type, 1 (EDSCL1). Also called: EHLERS-DANLOS SYNDROME, GRAVIS TYPE; EHLERS-DANLOS SYNDROME, SEVERE CLASSIC TYPE; Ehlers-Danlos syndrome, type 1; Ehlers-Danlos Syndrome, Classic Type, COL5A1-Related; EDS I. Identifiers: MedGen C0268335, MONDO:0019567, OMIM 130000.

Allele frequency attached by ClinVar (database versions not stated): TOPMed 0.00006; gnomAD 0.00007 and 0.00009; ESP Exome Variant Server 0.00008.
gnomAD v4.1: 139 of 1,613,802 alleles (0.0086%); highest among the groups gnomAD compares: Non-Finnish European, 0.0081%; no homozygotes.

Submissions (4):

Labcorp Genetics (formerly Invitae), Labcorp
Classification: Likely benign for Ehlers-Danlos syndrome, classic type, 1. Last evaluated: 2026-01-25. Review status: criteria provided, single submitter. Criteria: Invitae Variant Classification Sherloc (09022015). Collection method: clinical testing. Allele origin: germline.

Women's Health and Genetics/Laboratory Corporation of America, LabCorp
Classification: Benign. Last evaluated: 2025-02-28. Review status: criteria provided, single submitter. Criteria: LabCorp Variant Classification Summary - May 2015. Collection method: clinical testing. Allele origin: germline.

Blueprint Genetics
Classification: Likely benign. Last evaluated: 2024-10-02. Review status: criteria provided, single submitter. Criteria: ACMG Guidelines, 2015. Collection method: clinical testing. Allele origin: germline.

GeneDx
Classification: Benign. Last evaluated: 2016-05-27. Review status: criteria provided, single submitter. Criteria: GeneDx Variant Classification (06012015). Collection method: clinical testing. Allele origin: germline. Affected: yes.
Comment: This variant is considered likely benign or benign based on one or more of the following criteria: it is a conservative change, it occurs at a poorly conserved position in the protein, it is predicted to be benign by multiple in silico algorithms, and/or has population frequency not consistent with disease.

NM_000393.5(COL5A2):c.2715+11T>C

Gene: COL5A2 (collagen type V alpha 2 chain; minus strand). Cytogenetic location: 2q32.2.
Variant type: single nucleotide variant.
Coding change: c.2715+11T>C on transcript NM_000393.5 (MANE Select); 11 bases into the intron after coding-DNA position 2715, T replaced by C.
Molecular consequence: intron variant.
Genome position (GRCh38, 1-based): chr2:189,052,738, A>G on the plus strand (T>C on the coding strand, the complement: COL5A2 is on the minus strand). VCF-style: chr2-189052738-A-G. GRCh37 (hg19) VCF-style: chr2-189917464-A-G.
Identifiers: ClinVar variation 380309 (VCV000380309.11), dbSNP rs371363636, ClinGen allele CA2022226.